The following is an entry in ClinVar:

ClinVar aggregate classification (germline): Pathogenic (1 of 4 stars; one submission).

Conditions:
Marfan syndrome (MFS). Also called: Marfan syndrome type 1; Marfan's syndrome; FBN1-Related Marfan Syndrome; MARFAN SYNDROME, TYPE I; Marfan syndrome, classic. Identifiers: Orphanet 284963, Orphanet 558, MedGen C0024796, MONDO:0007947, OMIM 154700.
Familial thoracic aortic aneurysm and aortic dissection (TAAD). Also called: Thoracic aortic aneurysms and dissections. Identifiers: Orphanet 91387, MedGen C4707243, MONDO:0019625.

Submission:

Labcorp Genetics (formerly Invitae), Labcorp
Classification: Pathogenic for Marfan syndrome; Familial thoracic aortic aneurysm and aortic dissection. Last evaluated: 2020-12-08. Review status: criteria provided, single submitter. Criteria: Invitae Variant Classification Sherloc (09022015). Collection method: clinical testing. Allele origin: germline.
Comment: For these reasons, this variant has been classified as Pathogenic. This variant has not been reported in the literature in individuals with FBN1-related conditions. This variant is not present in population databases (ExAC no frequency). This sequence change creates a premature translational stop signal (p.Val266Leufs*64) in the FBN1 gene. It is expected to result in an absent or disrupted protein product. Loss-of-function variants in FBN1 are known to be pathogenic (PMID: 17657824, 19293843).

Literature cited by the submitters: PubMed 17657824; PubMed 19293843.

NM_000138.5(FBN1):c.795del (p.Val266fs)

Gene: FBN1 (fibrillin 1; minus strand). Cytogenetic location: 15q21.1.
Variant type: Deletion.
Coding change: c.795del on transcript NM_000138.5 (MANE Select); coding-DNA position 795, one base deleted (T; older notation c.795delT).
Protein change: p.Val266fs; shifts the reading frame from valine 266.
Molecular consequence: frameshift variant.
Genome position (GRCh38, 1-based): chr15:48,534,147, A deleted on the plus strand (T on the coding strand, the reverse complement: FBN1 is on the minus strand). VCF-style (leftmost placement, unchanged base first): chr15-48534146-CA-C. GRCh37 (hg19) VCF-style: chr15-48826343-CA-C.
Other names: short protein forms V266fs.
Identifiers: ClinVar variation 1376369 (VCV001376369.6), dbSNP rs2141353727, ClinGen allele CA2573150823.